The following is an entry in ClinVar:

NM_000477.7(ALB):c.1266T>C (p.Leu422=)

Gene: ALB (albumin; plus strand). Cytogenetic location: 4q13.3.
Variant type: single nucleotide variant.
Coding change: c.1266T>C on transcript NM_000477.7 (MANE Select); coding-DNA position 1266, T replaced by C.
Protein change: p.Leu422=; no amino-acid change (leucine 422 retained).
Molecular consequence: synonymous variant.
Genome position (GRCh38, 1-based): chr4:73,416,330, T>C. VCF-style: chr4-73416330-T-C. GRCh37 (hg19) VCF-style: chr4-74282047-T-C.
Identifiers: ClinVar variation 5041397 (VCV005041397.1).
Genomic context (GRCh38, chr4:73,416,330, plus strand): 5'-ACCTCTTGTGGAAGAGCCTCAGAATTTAATCAAACAAAATTGTGAGCTTTTTGAGCAGCT[T>C]GGAGAGTACAAATTCCAGAATGCGTAAGTAATTTTTATTGACTGATTTTTTTTATCAATT-3'
Protein context (NP_000468.1, residues 412-432): IKQNCELFEQ[Leu422=]GEYKFQNALL

ClinVar aggregate classification (germline): Likely benign (1 of 4 stars; one submission).

Submission:

CeGaT Center for Human Genetics Tuebingen
Classification: Likely benign. Last evaluated: 2026-09-01. Review status: criteria provided, single submitter. Criteria: CeGaT Center For Human Genetics Tuebingen Variant Classification Criteria Version 2. Collection method: clinical testing. Allele origin: germline. Affected: yes. Observed: 1 variant allele.
Comment: ALB: PM2:Supporting, BP4, BP7